The following is an entry in ClinVar:

ClinVar aggregate classification (germline): Uncertain significance (1 of 4 stars; one submission).

Allele frequency attached by ClinVar (database versions not stated): gnomAD exomes 0.00001.

Submission:

Women's Health and Genetics/Laboratory Corporation of America, LabCorp
Classification: Uncertain significance. Last evaluated: 2020-03-23. Review status: criteria provided, single submitter. Criteria: LabCorp Variant Classification Summary - May 2015. Collection method: clinical testing. Allele origin: germline.
Comment: Variant summary: ACTC1 c.809-14delT alters a non-conserved nucleotide located close to a canonical splice site and therefore could affect mRNA splicing, leading to a significantly altered protein sequence. 4/4 computational tools predict no significant impact on normal splicing. However, these predictions have yet to be confirmed by functional studies. The variant was absent in 106928 control chromosomes (gnomAD). The available data on variant occurrences in the general population are insufficient to allow any conclusion about variant significance. To our knowledge, no occurrence of c.809-14delT in individuals affected with Cardiomyopathy and no experimental evidence demonstrating its impact on protein function have been reported. At least one co-occurrence with another pathogenic variant has been internally reported (MYBPC3 c.1624+4A>), providing supporting evidence for a benign role. No clinical diagnostic laboratories have submitted clinical-significance assessments for this variant to ClinVar after 2014. Based on the evidence outlined above, the variant was classified as uncertain significance.

NM_005159.5(ACTC1):c.809-14del

Genes: ACTC1 (actin alpha cardiac muscle 1; minus strand), GJD2-DT (GJD2 divergent transcript; plus strand). Cytogenetic location: 15q14.
Variant type: Deletion.
Coding change: c.809-14del on transcript NM_005159.5 (MANE Select); 14 bases into the intron before coding-DNA position 809, one base deleted (T; older notation c.809-14delT).
Molecular consequence: intron variant.
Genome position (GRCh38, 1-based): chr15:34,791,309, A deleted on the plus strand (T on the coding strand, the reverse complement: ACTC1 is on the minus strand). VCF-style (leftmost placement, unchanged base first): chr15-34791308-CA-C. GRCh37 (hg19) VCF-style: chr15-35083509-CA-C.
Identifiers: ClinVar variation 918145 (VCV000918145.1), dbSNP rs1891700511, ClinGen allele CA1139663829.
Genomic context (GRCh38, chr15:34,791,308, plus strand): 5'-TCATGATGCTATTGTAAGTTGTTTCATGGATGCCAGCAGATTCCATACCTGGGAACGAGT[CA>C]CACACACACACACACACACACACACACACACACACACACACACATCACAGTGCATTCAGG-3'